The following is an entry in ClinVar:

NM_002148.4(HOXD10):c.211G>A (p.Val71Met)

Gene: HOXD10 (homeobox D10; plus strand). Cytogenetic location: 2q31.1.
Variant type: single nucleotide variant.
Coding change: c.211G>A on transcript NM_002148.4 (MANE Select); coding-DNA position 211, G replaced by A.
Protein change: p.Val71Met; replaces valine 71 with methionine.
Molecular consequence: missense variant.
Genome position (GRCh38, 1-based): chr2:176,117,044, G>A. VCF-style: chr2-176117044-G-A. GRCh37 (hg19) VCF-style: chr2-176981772-G-A.
Other names: short protein forms V71M.
Identifiers: ClinVar variation 2651560 (VCV002651560.24), dbSNP rs1348810562, ClinGen allele CA349365079.

ClinVar aggregate classification (germline): Uncertain significance (1 of 4 stars; one submission).

Allele frequency attached by ClinVar (database versions not stated): TOPMed below 0.00001.

Submission:

CeGaT Center for Human Genetics Tuebingen
Classification: Uncertain significance. Last evaluated: 2022-09-01. Review status: criteria provided, single submitter. Criteria: CeGaT Center For Human Genetics Tuebingen Variant Classification Criteria Version 2. Collection method: clinical testing. Allele origin: germline. Affected: yes. Observed: 1 variant allele.
Comment: HOXD10: PM2